The following is an entry in ClinVar:

ClinVar aggregate classification (germline): Uncertain significance (1 of 4 stars; one submission).

Allele frequency attached by ClinVar (database versions not stated): gnomAD exomes below 0.00001; gnomAD 0.00001; TOPMed 0.00001.
gnomAD v4.1: 1 of 1,614,050 alleles (0.000062%); highest among the groups gnomAD compares: African/African-American, 0.0013%; no homozygotes.

Submission:

Labcorp Genetics (formerly Invitae), Labcorp
Classification: Uncertain significance. Last evaluated: 2022-08-16. Review status: criteria provided, single submitter. Criteria: Invitae Variant Classification Sherloc (09022015). Collection method: clinical testing. Allele origin: germline.
Comment: ClinVar contains an entry for this variant (Variation ID: 1466956). Algorithms developed to predict the effect of missense changes on protein structure and function output the following: SIFT: "Tolerated"; PolyPhen-2: "Benign"; Align-GVGD: "Class C0". The lysine amino acid residue is found in multiple mammalian species, which suggests that this missense change does not adversely affect protein function. In summary, the available evidence is currently insufficient to determine the role of this variant in disease. Therefore, it has been classified as a Variant of Uncertain Significance. This sequence change replaces arginine, which is basic and polar, with lysine, which is basic and polar, at codon 491 of the SEMA4A protein (p.Arg491Lys). This variant is not present in population databases (gnomAD no frequency). This variant has not been reported in the literature in individuals affected with SEMA4A-related conditions.

NM_022367.4(SEMA4A):c.1472G>A (p.Arg491Lys)

Gene: SEMA4A (semaphorin 4A; plus strand). Cytogenetic location: 1q22.
Variant type: single nucleotide variant.
Coding change: c.1472G>A on transcript NM_022367.4 (MANE Select); coding-DNA position 1472, G replaced by A.
Protein change: p.Arg491Lys; replaces arginine 491 with lysine.
Molecular consequence: missense variant.
Genome position (GRCh38, 1-based): chr1:156,175,123, G>A. VCF-style: chr1-156175123-G-A. GRCh37 (hg19) VCF-style: chr1-156144914-G-A.
Other names: c.1472G>A, p.Arg491Lys (NM_001193300.2, NM_001193301.2, NM_001370567.1); c.1076G>A, p.Arg359Lys (NM_001193302.2); c.1175G>A, p.Arg392Lys (NM_001370568.1); c.965G>A, p.Arg322Lys (NM_001370569.1, NM_001370571.1); short protein forms R322K, R392K, R491K, R359K.
Identifiers: ClinVar variation 1466956 (VCV001466956.8), dbSNP rs1388776697, ClinGen allele CA342809251.